The following is an entry in ClinVar:

ClinVar aggregate classification (germline): Uncertain significance (1 of 4 stars; one submission).

gnomAD v4.1: 2 of 1,613,054 alleles (0.00012%); highest among the groups gnomAD compares: African/African-American, 0.0013%; no homozygotes.

Submission:

Labcorp Genetics (formerly Invitae), Labcorp
Classification: Uncertain significance. Last evaluated: 2024-09-14. Review status: criteria provided, single submitter. Criteria: Invitae Variant Classification Sherloc (09022015). Collection method: clinical testing. Allele origin: germline.
Comment: This sequence change replaces proline, which is neutral and non-polar, with leucine, which is neutral and non-polar, at codon 570 of the KIF2A protein (p.Pro570Leu). This variant is present in population databases (no rsID available, gnomAD 0.007%). This variant has not been reported in the literature in individuals affected with KIF2A-related conditions. An algorithm developed to predict the effect of missense changes on protein structure and function (PolyPhen-2) suggests that this variant is likely to be tolerated. In summary, the available evidence is currently insufficient to determine the role of this variant in disease. Therefore, it has been classified as a Variant of Uncertain Significance.

NM_001098511.3(KIF2A):c.1709C>T (p.Pro570Leu)

Gene: KIF2A (kinesin family member 2A; plus strand). Cytogenetic location: 5q12.1.
Variant type: single nucleotide variant.
Coding change: c.1709C>T on transcript NM_001098511.3 (MANE Select); coding-DNA position 1709, C replaced by T.
Protein change: p.Pro570Leu; replaces proline 570 with leucine.
Molecular consequence: missense variant. On other transcripts: intron variant (3).
Genome position (GRCh38, 1-based): chr5:62,372,500, C>T. VCF-style: chr5-62372500-C-T. GRCh37 (hg19) VCF-style: chr5-61668327-C-T.
Other names: c.1566-1187C>T (NM_001243952.2); c.1647-1187C>T (NM_004520.5); c.1590-1187C>T (NM_001243953.2); short protein forms P570L.
Identifiers: ClinVar variation 3716979 (VCV003716979.2).